The following is an entry in ClinVar:

NM_000451.4(SHOX):c.13A>G (p.Thr5Ala)

Gene: SHOX (SHOX homeobox; plus strand). Cytogenetic location: Xp22.33.
Variant type: single nucleotide variant.
Coding change: c.13A>G on transcript NM_000451.4 (MANE Select); coding-DNA position 13, A replaced by G.
Protein change: p.Thr5Ala; replaces threonine 5 with alanine.
Molecular consequence: missense variant.
Genome position (GRCh38, 1-based): chrX:630,910, A>G. VCF-style: chrX-630910-A-G. GRCh37 (hg19) VCF-style: chrX-591645-A-G.
Other names: c.13A>G, p.Thr5Ala (NM_006883.2); short protein forms T5A.
Identifiers: ClinVar variation 3339353 (VCV003339353.1).

ClinVar aggregate classification (germline): Uncertain significance (1 of 4 stars; one submission).

gnomAD v4.1: 33 of 1,613,358 alleles (0.002%); highest among the groups gnomAD compares: Non-Finnish European, 0.0026%; no homozygotes.

Submission:

Women's Health and Genetics/Laboratory Corporation of America, LabCorp
Classification: Uncertain significance. Last evaluated: 2024-07-24. Review status: criteria provided, single submitter. Criteria: LabCorp Variant Classification Summary - May 2015. Collection method: clinical testing. Allele origin: germline.
Comment: Variant summary: SHOX c.13A>G (p.Thr5Ala) results in a non-conservative amino acid change in the encoded protein sequence. Four of five in-silico tools predict a damaging effect of the variant on protein function. The variant allele was found at a frequency of 8e-06 in 250468 control chromosomes. The available data on variant occurrences in the general population are insufficient to allow any conclusion about variant significance. To our knowledge, no occurrence of c.13A>G in individuals affected with Leri-Weill Dyschondrosteosis and no experimental evidence demonstrating its impact on protein function have been reported. No submitters have cited clinical-significance assessments for this variant to ClinVar. Based on the evidence outlined above, the variant was classified as uncertain significance.